The following is an entry in ClinVar:

NM_182493.3(MYLK3):c.1355G>T (p.Gly452Val)

Gene: MYLK3 (myosin light chain kinase 3; minus strand). Cytogenetic location: 16q11.2.
Variant type: single nucleotide variant.
Coding change: c.1355G>T on transcript NM_182493.3 (MANE Select); coding-DNA position 1355, G replaced by T.
Protein change: p.Gly452Val; replaces glycine 452 with valine.
Molecular consequence: missense variant.
Genome position (GRCh38, 1-based): chr16:46,732,315, C>A on the plus strand (G>T on the coding strand, the complement: MYLK3 is on the minus strand). VCF-style: chr16-46732315-C-A. GRCh37 (hg19) VCF-style: chr16-46766227-C-A.
Other names: c.332G>T, p.Gly111Val (NM_001308301.1); short protein forms G452V, G111V.
Identifiers: ClinVar variation 3683720 (VCV003683720.2).

ClinVar aggregate classification (germline): Uncertain significance (1 of 4 stars; one submission).

gnomAD v4.1: 1 of 1,611,822 alleles (0.000062%); highest among the groups gnomAD compares: African/African-American, 0.0013%; no homozygotes.

Submission:

Labcorp Genetics (formerly Invitae), Labcorp
Classification: Uncertain significance. Last evaluated: 2024-09-10. Review status: criteria provided, single submitter. Criteria: Invitae Variant Classification Sherloc (09022015). Collection method: clinical testing. Allele origin: germline.
Comment: This sequence change replaces glycine, which is neutral and non-polar, with valine, which is neutral and non-polar, at codon 452 of the MYLK3 protein (p.Gly452Val). This variant is not present in population databases (gnomAD no frequency). This variant has not been reported in the literature in individuals affected with MYLK3-related conditions. An algorithm developed to predict the effect of missense changes on protein structure and function (PolyPhen-2) suggests that this variant is likely to be tolerated. In summary, the available evidence is currently insufficient to determine the role of this variant in disease. Therefore, it has been classified as a Variant of Uncertain Significance.